The following is an entry in ClinVar:

ClinVar aggregate classification (germline): Conflicting classifications of pathogenicity. Review status: criteria provided, conflicting classifications (1 of 4 stars). 3 submissions from 3 submitters: Likely pathogenic (1); Uncertain significance (2). Last evaluated 2024-01-29.

Conditions:
Cohen syndrome (COH1). Also called: Cutis verticis gyrata, retinitis pigmentosa, and sensorineural deafness; PEPPER SYNDROME. Identifiers: Orphanet 193, MedGen C0265223, MONDO:0008999, OMIM 216550.
Abnormal brain morphology. Also called: Abnormality of brain morphology. Identifiers: MedGen C4021085, HP:0012443.

Submissions (3):

Labcorp Genetics (formerly Invitae), Labcorp
Classification: Uncertain significance for Cohen syndrome. Last evaluated: 2024-01-29. Review status: criteria provided, single submitter. Criteria: Invitae Variant Classification Sherloc (09022015). Collection method: clinical testing. Allele origin: germline.
Comment: This sequence change affects the initiator methionine of the VPS13B mRNA. The next in-frame methionine is located at codon 11. This variant is not present in population databases (gnomAD no frequency). Disruption of the initiator codon has been observed in individual(s) with clinical features of VPS13B-related conditions (PMID: 26539891). ClinVar contains an entry for this variant (Variation ID: 402220). Experimental studies and prediction algorithms are not available or were not evaluated, and the functional significance of this variant is currently unknown. In summary, the available evidence is currently insufficient to determine the role of this variant in disease. Therefore, it has been classified as a Variant of Uncertain Significance.

Women's Health and Genetics/Laboratory Corporation of America, LabCorp
Classification: Uncertain significance. Last evaluated: 2023-08-11. Review status: criteria provided, single submitter. Criteria: LabCorp Variant Classification Summary - May 2015. Collection method: clinical testing. Allele origin: germline.
Comment: Variant summary: VPS13B c.3G>A (p.Met1Ile) alters the initiation codon and is predicted to result either in absence of the protein or truncation of the encoded protein due to translation initiation at a downstream codon. An alternative downstream in-frame start codon (p.Met11) is located in exon 1 of the encoded protein. Three of four in-silico tools predict a damaging effect of the variant on protein function. The variant was absent in 251492 control chromosomes (gnomAD). c.3G>A has been reported in the literature in a family affected with Intellectual disability and microcephaly without classical Cohen syndrome (example: Karaca_2015). These data indicate that the variant may be associated with disease. To our knowledge, no experimental evidence demonstrating an impact on protein function has been reported. The following publication has been ascertained in the context of this evaluation (PMID: 26539891). One submitter has cited clinical-significance assessments for this variant to ClinVar and has classified the variant as likely pathogenic. Based on the evidence outlined above, the variant was classified as VUS-possibly pathogenic.

Lupski Lab, Baylor-Hopkins CMG, Baylor College of Medicine
Classification: Likely pathogenic for Abnormal brain morphology. Review status: criteria provided, single submitter. Criteria: Karaca et al. (Neuron 2015). Collection method: research. Allele origin: inherited. Inheritance: Autosomal recessive inheritance. Affected: yes.

Literature cited by the submitters: PubMed 26539891 (cited by Labcorp Genetics (formerly Invitae), Labcorp and Women's Health and Genetics/Laboratory Corporation of America, LabCorp).

NM_152564.5(VPS13B):c.3G>A (p.Met1Ile)

Gene: VPS13B (vacuolar protein sorting 13 homolog B; plus strand). Cytogenetic location: 8q22.2.
Variant type: single nucleotide variant.
Coding change: c.3G>A on transcript NM_152564.5 (MANE Select); coding-DNA position 3, G replaced by A.
Protein change: p.Met1Ile; changes the start codon (methionine 1).
Molecular consequence: missense variant, initiator codon variant. On other transcripts: non-coding transcript variant (1).
Genome position (GRCh38, 1-based): chr8:99,013,791, G>A. VCF-style: chr8-99013791-G-A. GRCh37 (hg19) VCF-style: chr8-100026019-G-A.
Other names: c.3G>A, p.Met1Ile (NM_015243.3, NM_017890.5, NM_181661.3); c.3G>A (NM_017890.4); short protein forms M1I.
Identifiers: ClinVar variation 402220 (VCV000402220.6), dbSNP rs1060499779, ClinGen allele CA16609518.